The following is an entry in ClinVar:

NM_031885.5(BBS2):c.1059T>C (p.Arg353=)

Gene: BBS2 (Bardet-Biedl syndrome 2; minus strand). Cytogenetic location: 16q13.
Variant type: single nucleotide variant.
Coding change: c.1059T>C on transcript NM_031885.5 (MANE Select); coding-DNA position 1059, T replaced by C.
Protein change: p.Arg353=; no amino-acid change (arginine 353 retained).
Molecular consequence: synonymous variant. On other transcripts: non-coding transcript variant (5).
Genome position (GRCh38, 1-based): chr16:56,502,338, A>G on the plus strand (T>C on the coding strand, the complement: BBS2 is on the minus strand). VCF-style: chr16-56502338-A-G. GRCh37 (hg19) VCF-style: chr16-56536250-A-G.
Other names: c.1059T>C, p.Arg353= (NM_001377456.1).
Identifiers: ClinVar variation 5002529 (VCV005002529.1).
Genomic context (GRCh38, chr16:56,502,338, plus strand): 5'-CAGCCTCCATTACCTGGTCACATTAGGACCTACACCTACCTTGGCATTTTCCTCATAGTT[A>G]CGGAGTTCCAGCAACAGATTCTGCTTCTTCTGACTCAGCTCTCGGATCAGGTCCTGCTCT-3'
Protein context (NP_114091.4, residues 343-363): QKKQNLLLEL[Arg353=]NYEENAKAEL

ClinVar aggregate classification (germline): Likely benign (1 of 4 stars; one submission).

Conditions:
BBS2-related disorder. Also called: BBS2-related disorders; BBS2-related condition. Identifiers: MedGen CN239228.

Submission:

PreventionGenetics, part of Exact Sciences
Classification: Likely benign for BBS2-related condition. Last evaluated: 2026-01-25. Review status: criteria provided, single submitter. Criteria: ACMG Guidelines, 2015. Collection method: clinical testing. Allele origin: germline.
Comment: This variant is classified as likely benign based on ACMG/AMP sequence variant interpretation guidelines (Richards et al. 2015 PMID: 25741868, with internal and published modifications).